The following is an entry in ClinVar:

NM_147686.4(TRAF3IP2):c.1377C>T (p.Ile459=)

Genes: TRAF3IP2 (TRAF3 interacting protein 2; minus strand), TRAF3IP2-AS1 (TRAF3IP2 antisense RNA 1; plus strand). Cytogenetic location: 6q21.
Variant type: single nucleotide variant.
Coding change: c.1377C>T on transcript NM_147686.4 (MANE Select); coding-DNA position 1377, C replaced by T.
Protein change: p.Ile459=; no amino-acid change (isoleucine 459 retained).
Molecular consequence: synonymous variant.
Genome position (GRCh38, 1-based): chr6:111,566,543, G>A on the plus strand (C>T on the coding strand, the complement: TRAF3IP2 is on the minus strand). VCF-style: chr6-111566543-G-A. GRCh37 (hg19) VCF-style: chr6-111887746-G-A.
Other names: c.1374C>T, p.Ile458= (NM_001164281.3); c.9C>T, p.Ile3= (NM_001164283.3); c.1404C>T, p.Ile468= (NM_147200.3).
Identifiers: ClinVar variation 474037 (VCV000474037.34), dbSNP rs371382152, ClinGen allele CA3963090.
Genomic context (GRCh38, chr6:111,566,543, plus strand): 5'-CTCGTCCAGCTGCGACTCAGCGCCTTCCACGTCCTGTTTGTATTTGGGGCTGATTGCTAC[G>A]ATTATCATCACGGTCTTCTGTTAATGAGAGGGAGAAAGGCATGTTTATGGAAGTGTACCA-3'
Protein context (NP_679211.2, residues 449-469): RYLRDKTVMI[Ile459=]VAISPKYKQD

ClinVar aggregate classification (germline): Likely benign. Review status: criteria provided, multiple submitters, no conflicts (2 of 4 stars). 2 submissions from 2 submitters: Likely benign (2). Last evaluated 2025-09-06.

Conditions:
Candidiasis, familial, 8 (CANDF8). Identifiers: Orphanet 1334, MedGen C3714992, MONDO:0014230, OMIM 615527.

Allele frequency attached by ClinVar (database versions not stated): ExAC 0.00007; gnomAD 0.00007 and 0.00008; TOPMed 0.00007; ESP Exome Variant Server 0.00008; gnomAD exomes 0.00008 and 0.00011.
gnomAD v4.1: 171 of 1,613,960 alleles (0.011%); highest among the groups gnomAD compares: Non-Finnish European, 0.013%; no homozygotes.

Submissions (2):

Labcorp Genetics (formerly Invitae), Labcorp
Classification: Likely benign for Candidiasis, familial, 8. Last evaluated: 2025-09-06. Review status: criteria provided, single submitter. Criteria: Invitae Variant Classification Sherloc (09022015). Collection method: clinical testing. Allele origin: germline.

CeGaT Center for Human Genetics Tuebingen
Classification: Likely benign. Last evaluated: 2022-07-01. Review status: criteria provided, single submitter. Criteria: CeGaT Center For Human Genetics Tuebingen Variant Classification Criteria Version 2. Collection method: clinical testing. Allele origin: germline. Affected: yes. Observed: 1 variant allele.
Comment: TRAF3IP2: BP4, BP7